The following is an entry in ClinVar:

ClinVar aggregate classification (germline): Conflicting classifications of pathogenicity. Review status: criteria provided, conflicting classifications (1 of 4 stars). 2 submissions from 2 submitters: Uncertain significance (1); Likely benign (1). Last evaluated 2024-10-29.

Conditions:
MHC class I deficiency. Identifiers: Orphanet 34592, MedGen C6024714, MONDO:0011476.

gnomAD v4.1: 1 of 1,533,126 alleles (0.000065%); highest among the groups gnomAD compares: South Asian, 0.0013%; no homozygotes.

Submissions (2):

Labcorp Genetics (formerly Invitae), Labcorp
Classification: Uncertain significance for MHC class I deficiency 1. Last evaluated: 2024-10-29. Review status: criteria provided, single submitter. Criteria: Invitae Variant Classification Sherloc (09022015). Collection method: clinical testing. Allele origin: germline.
Comment: This sequence change replaces threonine, which is neutral and polar, with serine, which is neutral and polar, at codon 165 of the TAPBP protein (p.Thr165Ser). This variant is present in population databases (no rsID available, gnomAD 0.006%). This variant has not been reported in the literature in individuals affected with TAPBP-related conditions. An algorithm developed to predict the effect of missense changes on protein structure and function outputs the following: PolyPhen-2: "Benign". The serine amino acid residue is found in multiple mammalian species, which suggests that this missense change does not adversely affect protein function. In summary, the available evidence is currently insufficient to determine the role of this variant in disease. Therefore, it has been classified as a Variant of Uncertain Significance.

Blueprint Genetics
Classification: Likely benign. Last evaluated: 2022-09-01. Review status: criteria provided, single submitter. Criteria: ACMG Guidelines, 2015. Collection method: clinical testing. Allele origin: germline.

NM_003190.5(TAPBP):c.494C>G (p.Thr165Ser)

Gene: TAPBP (TAP binding protein; minus strand). Cytogenetic location: 6p21.32.
Variant type: single nucleotide variant.
Coding change: c.494C>G on transcript NM_003190.5 (MANE Select); coding-DNA position 494, C replaced by G.
Protein change: p.Thr165Ser; replaces threonine 165 with serine.
Molecular consequence: missense variant.
Genome position (GRCh38, 1-based): chr6:33,305,363, G>C on the plus strand (C>G on the coding strand, the complement: TAPBP is on the minus strand). VCF-style: chr6-33305363-G-C. GRCh37 (hg19) VCF-style: chr6-33273140-G-C.
Other names: c.494C>G, p.Thr165Ser (NM_001410875.1, NM_172208.3); c.233C>G, p.Thr78Ser (NM_172209.3); short protein forms T165S, T78S.
Identifiers: ClinVar variation 2778684 (VCV002778684.4), dbSNP rs1193229051, ClinGen allele CA363692059.